The following is an entry in ClinVar:

NM_000981.4(RPL19):c.529C>T (p.Leu177Phe)

Gene: RPL19 (ribosomal protein L19; plus strand). Cytogenetic location: 17q12.
Variant type: single nucleotide variant.
Coding change: c.529C>T on transcript NM_000981.4 (MANE Select); coding-DNA position 529, C replaced by T.
Protein change: p.Leu177Phe; replaces leucine 177 with phenylalanine.
Molecular consequence: missense variant.
Genome position (GRCh38, 1-based): chr17:39,204,586, C>T. VCF-style: chr17-39204586-C-T. GRCh37 (hg19) VCF-style: chr17-37360839-C-T.
Other names: c.523C>T, p.Leu175Phe (NM_001330200.1); short protein forms L177F, L175F.
Identifiers: ClinVar variation 1398345 (VCV001398345.8), dbSNP rs2144212874, ClinGen allele CA398837254.

ClinVar aggregate classification (germline): Uncertain significance (1 of 4 stars; one submission).

Submission:

Labcorp Genetics (formerly Invitae), Labcorp
Classification: Uncertain significance. Last evaluated: 2022-01-27. Review status: criteria provided, single submitter. Criteria: Invitae Variant Classification Sherloc (09022015). Collection method: clinical testing. Allele origin: germline.
Comment: In summary, the available evidence is currently insufficient to determine the role of this variant in disease. Therefore, it has been classified as a Variant of Uncertain Significance. Algorithms developed to predict the effect of missense changes on protein structure and function (SIFT, PolyPhen-2, Align-GVGD) all suggest that this variant is likely to be tolerated. This variant has not been reported in the literature in individuals affected with RPL19-related conditions. This variant is not present in population databases (gnomAD no frequency). This sequence change replaces leucine, which is neutral and non-polar, with phenylalanine, which is neutral and non-polar, at codon 177 of the RPL19 protein (p.Leu177Phe).